The following is an entry in ClinVar:

ClinVar aggregate classification (germline): Uncertain significance (1 of 4 stars; one submission).

Conditions:
Hereditary cancer-predisposing syndrome. Also called: Tumor predisposition; Hereditary neoplastic syndrome; Neoplastic Syndromes, Hereditary; Hereditary Cancer Syndrome. Identifiers: Orphanet 140162, MedGen C0027672, MeSH D009386, MONDO:0015356.

Allele frequency attached by ClinVar (database versions not stated): gnomAD exomes below 0.00001.
gnomAD v4.1: 1 of 1,613,568 alleles (0.000062%); highest among the groups gnomAD compares: Non-Finnish European, 0.000085%; no homozygotes.

Submission:

Ambry Genetics
Classification: Uncertain significance for Hereditary cancer-predisposing syndrome. Last evaluated: 2019-09-09. Review status: criteria provided, single submitter. Criteria: Ambry Variant Classification Scheme 2023. Collection method: clinical testing. Allele origin: germline.
Comment: The p.T419R variant (also known as c.1256C>G), located in coding exon 11 of the MRE11A gene, results from a C to G substitution at nucleotide position 1256. The threonine at codon 419 is replaced by arginine, an amino acid with similar properties. This amino acid position is not well conserved in available vertebrate species. In addition, this alteration is predicted to be tolerated by in silico analysis. Since supporting evidence is limited at this time, the clinical significance of this alteration remains unclear.

NM_005591.4(MRE11):c.1256C>G (p.Thr419Arg)

Gene: MRE11 (MRE11 double strand break repair nuclease; minus strand). Cytogenetic location: 11q21.
Variant type: single nucleotide variant.
Coding change: c.1256C>G on transcript NM_005591.4 (MANE Select); coding-DNA position 1256, C replaced by G.
Protein change: p.Thr419Arg; replaces threonine 419 with arginine.
Molecular consequence: missense variant.
Genome position (GRCh38, 1-based): chr11:94,461,006, G>C on the plus strand (C>G on the coding strand, the complement: MRE11 is on the minus strand). VCF-style: chr11-94461006-G-C. GRCh37 (hg19) VCF-style: chr11-94194172-G-C.
Other names: c.1256C>G, p.Thr419Arg (NM_001330347.2, NM_005590.4); short protein forms T419R.
Identifiers: ClinVar variation 818611 (VCV000818611.4), dbSNP rs1591674983, ClinGen allele CA382372415.